The following is an entry in ClinVar:

NM_005591.4(MRE11):c.1658A>C (p.Gln553Pro)

Gene: MRE11 (MRE11 double strand break repair nuclease; minus strand). Cytogenetic location: 11q21.
Variant type: single nucleotide variant.
Coding change: c.1658A>C on transcript NM_005591.4 (MANE Select); coding-DNA position 1658, A replaced by C.
Protein change: p.Gln553Pro; replaces glutamine 553 with proline.
Molecular consequence: missense variant.
Genome position (GRCh38, 1-based): chr11:94,447,344, T>G on the plus strand (A>C on the coding strand, the complement: MRE11 is on the minus strand). VCF-style: chr11-94447344-T-G. GRCh37 (hg19) VCF-style: chr11-94180510-T-G.
Other names: c.1658A>C, p.Gln553Pro (NM_001330347.2, NM_005590.4); short protein forms Q553P.
Identifiers: ClinVar variation 663741 (VCV000663741.8), dbSNP rs1591655188, ClinGen allele CA382368454.

ClinVar aggregate classification (germline): Uncertain significance (1 of 4 stars; one submission).

Conditions:
Ataxia-telangiectasia-like disorder (ATLD). Identifiers: MedGen C1858391, MONDO:0011457.

Submission:

Labcorp Genetics (formerly Invitae), Labcorp
Classification: Uncertain significance for Ataxia-telangiectasia-like disorder. Last evaluated: 2018-11-30. Review status: criteria provided, single submitter. Criteria: Invitae Variant Classification Sherloc (09022015). Collection method: clinical testing. Allele origin: germline.
Comment: This sequence change replaces glutamine with proline at codon 553 of the MRE11 protein (p.Gln553Pro). The glutamine residue is weakly conserved and there is a moderate physicochemical difference between glutamine and proline. This variant is not present in population databases (ExAC no frequency). In summary, the available evidence is currently insufficient to determine the role of this variant in disease. Therefore, it has been classified as a Variant of Uncertain Significance. Algorithms developed to predict the effect of missense changes on protein structure and function output the following: SIFT: "Tolerated"; PolyPhen-2: "Benign"; Align-GVGD: "Class C0". The proline amino acid residue is found in multiple mammalian species, suggesting that this missense change does not adversely affect protein function. These predictions have not been confirmed by published functional studies and their clinical significance is uncertain. This variant has not been reported in the literature in individuals with MRE11-related conditions.